The following is an entry in ClinVar:

ClinVar aggregate classification (germline): Uncertain significance. Review status: reviewed by expert panel (3 of 4 stars). 3 submissions from 3 submitters: Uncertain significance (1). 2 of the submissions do not count toward it. Last evaluated 2024-11-13.

Conditions:
Hereditary thrombocytopenia and hematological cancer predisposition syndrome associated with RUNX1. Also called: Familial Platelet Disorder with Propensity to Acute Myelogenous Leukemia; Familial thrombocytopenia with propensity to acute myelogenous leukemia; RUNX1 Familial Platelet Disorder with Associated Myeloid Malignancies; PLATELET DISORDER, ASPIRIN-LIKE. Identifiers: Orphanet 71290, MedGen C1832388, MeSH C563324, MONDO:0100083, OMIM 601399.
Hereditary thrombocytopenia and hematologic cancer predisposition syndrome. Identifiers: Orphanet 71290, MedGen CN281654, MONDO:0011071.
Inborn genetic diseases. Identifiers: MedGen C0950123, MeSH D030342.

Allele frequency attached by ClinVar (database versions not stated): gnomAD exomes below 0.00001; TOPMed below 0.00001; gnomAD 0.00001.
gnomAD v4.1: 2 of 1,613,884 alleles (0.00012%); highest among the groups gnomAD compares: African/African-American, 0.0027%; no homozygotes.

Submissions (3):

ClinGen Myeloid Malignancy Variant Curation Expert Panel
Classification: Uncertain significance for Hereditary thrombocytopenia and hematologic cancer predisposition syndrome. Last evaluated: 2024-11-13. Review status: reviewed by expert panel. Criteria: ClinGen MyeloMalig ACMG Specifications v2. Collection method: curation. Allele origin: germline. Inheritance: Autosomal dominant inheritance.
Comment: NM_001754.5(RUNX1):c.30T>A (p.Phe10Leu) is a missense variant which has a REVEL score < 0.50 (0.294), and a SpliceAI score ≤ 0.20 (0.0) (BP4). In summary, the clinical significance of this variant is uncertain. ACMG/AMP criteria applied, as specified by the Myeloid Malignancy Variant Curation Expert Panel for RUNX1: BP4.

Ambry Genetics
Classification: Uncertain significance for Inborn genetic diseases. Last evaluated: 2025-04-18. Review status: criteria provided, single submitter. Criteria: Ambry Variant Classification Scheme 2023. Collection method: clinical testing. Allele origin: germline. Not counted in ClinVar's aggregate classification.
Comment: The p.F10L variant (also known as c.30T>A), located in coding exon 1 of the RUNX1 gene, results from a T to A substitution at nucleotide position 30. The phenylalanine at codon 10 is replaced by leucine, an amino acid with highly similar properties. This amino acid position is conserved. In addition, the in silico prediction for this alteration is inconclusive. Based on the available evidence, the clinical significance of this variant remains unclear.

Labcorp Genetics (formerly Invitae), Labcorp
Classification: Uncertain significance for Hereditary thrombocytopenia and hematological cancer predisposition syndrome associated with RUNX1. Last evaluated: 2021-08-09. Review status: criteria provided, single submitter. Criteria: Invitae Variant Classification Sherloc (09022015). Collection method: clinical testing. Allele origin: germline. Not counted in ClinVar's aggregate classification.
Comment: This sequence change replaces phenylalanine with leucine at codon 10 of the RUNX1 protein (p.Phe10Leu). The phenylalanine residue is weakly conserved and there is a small physicochemical difference between phenylalanine and leucine. This variant is not present in population databases (ExAC no frequency). This variant has not been reported in the literature in individuals affected with RUNX1-related conditions. Algorithms developed to predict the effect of missense changes on protein structure and function (SIFT, PolyPhen-2, Align-GVGD) all suggest that this variant is likely to be tolerated. In summary, the available evidence is currently insufficient to determine the role of this variant in disease. Therefore, it has been classified as a Variant of Uncertain Significance.

NM_001754.5(RUNX1):c.30T>A (p.Phe10Leu)

Gene: RUNX1 (RUNX family transcription factor 1; minus strand). Cytogenetic location: 21q22.12.
Variant type: single nucleotide variant.
Coding change: c.30T>A on transcript NM_001754.5 (MANE Select); coding-DNA position 30, T replaced by A.
Protein change: p.Phe10Leu; replaces phenylalanine 10 with leucine.
Molecular consequence: missense variant.
Genome position (GRCh38, 1-based): chr21:35,048,870, A>T on the plus strand (T>A on the coding strand, the complement: RUNX1 is on the minus strand). VCF-style: chr21-35048870-A-T. GRCh37 (hg19) VCF-style: chr21-36421167-A-T.
Other names: NM_001754.5(RUNX1):c.30T>A; p.Phe10Leu; c.30T>A (NM_001754.4); short protein forms F10L.
Identifiers: ClinVar variation 1447557 (VCV001447557.8), dbSNP rs1456298102, ClinGen allele CA410208248.